The following is an entry in ClinVar:

ClinVar aggregate classification (germline): Uncertain significance (1 of 4 stars; one submission).

Submission:

GeneDx
Classification: Uncertain significance. Last evaluated: 2023-04-05. Review status: criteria provided, single submitter. Criteria: GeneDx Variant Classification Process June 2021. Collection method: clinical testing. Allele origin: germline. Affected: yes.
Comment: Not observed at significant frequency in large population cohorts (gnomAD); In silico analysis supports that this missense variant has a deleterious effect on protein structure/function; Has not been previously published as pathogenic or benign to our knowledge

NM_019066.5(MAGEL2):c.112C>T (p.Arg38Trp)

Gene: MAGEL2 (MAGE family member L2; minus strand). Cytogenetic location: 15q11.2.
Variant type: single nucleotide variant.
Coding change: c.112C>T on transcript NM_019066.5 (MANE Select); coding-DNA position 112, C replaced by T.
Protein change: p.Arg38Trp; replaces arginine 38 with tryptophan.
Molecular consequence: missense variant.
Genome position (GRCh38, 1-based): chr15:23,647,631, G>A on the plus strand (C>T on the coding strand, the complement: MAGEL2 is on the minus strand). VCF-style: chr15-23647631-G-A. GRCh37 (hg19) VCF-style: chr15-23892778-G-A.
Other names: short protein forms R38W.
Identifiers: ClinVar variation 2662015 (VCV002662015.1), dbSNP rs1317236335, ClinGen allele CA391337892.